The following is an entry in ClinVar:

ClinVar aggregate classification (germline): Likely benign. Review status: criteria provided, multiple submitters, no conflicts (2 of 4 stars). 4 submissions from 4 submitters: Likely benign (2). 2 of the submissions do not count toward it. Last evaluated 2025-12-01.

Conditions:
MLC1-related disorder. Also called: MLC1-related condition.
Megalencephalic leukoencephalopathy with subcortical cysts. Also called: VAN DER KNAAP DISEASE. Identifiers: Orphanet 2478, MedGen C1858854, MONDO:0011391.

Allele frequency attached by ClinVar (database versions not stated): gnomAD 0.00001; TOPMed 0.00004; ExAC 0.00009; gnomAD exomes 0.00010.
gnomAD v4.1: 33 of 1,613,552 alleles (0.002%); highest among the groups gnomAD compares: Admixed American, 0.043%; no homozygotes.

Submissions (4):

CeGaT Center for Human Genetics Tuebingen
Classification: Likely benign. Last evaluated: 2025-12-01. Review status: criteria provided, single submitter. Criteria: CeGaT Center For Human Genetics Tuebingen Variant Classification Criteria Version 2. Collection method: clinical testing. Allele origin: germline. Affected: yes. Observed: 1 variant allele.
Comment: MLC1: BP4, BP7

Labcorp Genetics (formerly Invitae), Labcorp
Classification: Likely benign. Last evaluated: 2025-08-20. Review status: criteria provided, single submitter. Criteria: Invitae Variant Classification Sherloc (09022015). Collection method: clinical testing. Allele origin: germline.

PreventionGenetics, part of Exact Sciences
Classification: Likely benign for MLC1-related condition. Last evaluated: 2021-04-16. Review status: no assertion criteria provided. Collection method: clinical testing. Allele origin: germline. Not counted in ClinVar's aggregate classification.
Comment: This variant is classified as likely benign based on ACMG/AMP sequence variant interpretation guidelines (Richards et al. 2015 PMID: 25741868, with internal and published modifications).

Natera, Inc.
Classification: Uncertain significance for Megalencephalic leukoencephalopathy with subcortical cysts. Last evaluated: 2020-01-24. Review status: no assertion criteria provided. Collection method: clinical testing. Allele origin: germline. Not counted in ClinVar's aggregate classification.

NM_015166.4(MLC1):c.693G>A (p.Thr231=)

Gene: MLC1 (modulator of VRAC current 1; minus strand). Cytogenetic location: 22q13.33.
Variant type: single nucleotide variant.
Coding change: c.693G>A on transcript NM_015166.4 (MANE Select); coding-DNA position 693, G replaced by A.
Protein change: p.Thr231=; no amino-acid change (threonine 231 retained).
Molecular consequence: synonymous variant. On other transcripts: non-coding transcript variant (3).
Genome position (GRCh38, 1-based): chr22:50,074,237, C>T on the plus strand (G>A on the coding strand, the complement: MLC1 is on the minus strand). VCF-style: chr22-50074237-C-T. GRCh37 (hg19) VCF-style: chr22-50512666-C-T.
Other names: c.693G>A, p.Thr231= (NM_001376472.1, NM_001376473.1, NM_001376474.1 and 6 more transcripts); c.603G>A, p.Thr201= (NM_001376480.1); c.591G>A, p.Thr197= (NM_001376481.1); c.537G>A, p.Thr179= (NM_001376482.1, NM_001376483.1); c.456G>A, p.Thr152= (NM_001376484.1).
Identifiers: ClinVar variation 799348 (VCV000799348.18), dbSNP rs756589485, ClinGen allele CA10303419.